The following is an entry in ClinVar:

NM_001267550.2(TTN):c.5626C>T (p.Leu1876Phe)

Gene: TTN (titin; minus strand). Cytogenetic location: 2q31.2.
Variant type: single nucleotide variant.
Coding change: c.5626C>T on transcript NM_001267550.2 (MANE Select); coding-DNA position 5626, C replaced by T.
Protein change: p.Leu1876Phe; replaces leucine 1876 with phenylalanine.
Molecular consequence: missense variant.
Genome position (GRCh38, 1-based): chr2:178,776,238, G>A on the plus strand (C>T on the coding strand, the complement: TTN is on the minus strand). VCF-style: chr2-178776238-G-A. GRCh37 (hg19) VCF-style: chr2-179640965-G-A.
Other names: c.5626C>T, p.Leu1876Phe (NM_001256850.1, NM_133378.4, NM_133379.5); c.5488C>T, p.Leu1830Phe (NM_003319.4, NM_133432.3, NM_133437.4); short protein forms L1830F, L1876F.
Identifiers: ClinVar variation 2632564 (VCV002632564.3), dbSNP rs1419821413, ClinGen allele CA349449597.

ClinVar aggregate classification (germline): Uncertain significance. Review status: criteria provided, multiple submitters, no conflicts (2 of 4 stars). 2 submissions from 2 submitters: Uncertain significance (2). Last evaluated 2023-06-20.

Conditions:
TTN-related disorder. Also called: TTN-related condition; TTN-related disease; TTN-related disorders.

gnomAD v4.1: 1 of 1,614,148 alleles (0.000062%); highest among the groups gnomAD compares: Non-Finnish European, 0.000085%; no homozygotes.

Submissions (2):

Revvity Omics, Revvity
Classification: Uncertain significance. Last evaluated: 2023-06-20. Review status: criteria provided, single submitter. Criteria: ACMG Guidelines, 2015. Collection method: clinical testing. Allele origin: germline.

PreventionGenetics, part of Exact Sciences
Classification: Uncertain significance for TTN-related condition. Last evaluated: 2023-06-14. Review status: criteria provided, single submitter. Criteria: ACMG Guidelines, 2015. Collection method: clinical testing. Allele origin: germline.
Comment: The TTN c.5626C>T variant is predicted to result in the amino acid substitution p.Leu1876Phe. To our knowledge, this variant has not been reported in the literature or in a large population database, indicating this variant is rare. At this time, the clinical significance of this variant is uncertain due to the absence of conclusive functional and genetic evidence.